The following is an entry in ClinVar:

ClinVar aggregate classification (germline): Uncertain significance. Review status: criteria provided, multiple submitters, no conflicts (2 of 4 stars). 8 submissions from 7 submitters: Uncertain significance (6). 2 of the submissions do not count toward it. Last evaluated 2026-07-01.

Conditions:
Inborn genetic diseases. Identifiers: MedGen C0950123, MeSH D030342.
Immunodeficiency 14 (IMD14A). Also called: p110-DELTA-ACTIVATING MUTATION CAUSING SENESCENT T CELLS, LYMPHADENOPATHY, AND IMMUNODEFICIENCY; Activated PI3K Delta Syndrome Type 1 (APDS1); ACTIVATED PI3K-DELTA SYNDROME 1; IMMUNODEFICIENCY 14A WITH LYMPHOPROLIFERATION, AUTOSOMAL DOMINANT. Identifiers: Orphanet 397596, Orphanet 693661, MedGen C5907821, MONDO:0014222, OMIM 615513.
Immunodeficiency 14b, autosomal recessive. Identifiers: MedGen C5543301, MONDO:0023655, OMIM 619281.
Activated PI3K-delta syndrome. Identifiers: Orphanet 397596, MedGen C3714976, MONDO:0018338.

Allele frequency attached by ClinVar (database versions not stated): gnomAD exomes 0.00003 and 0.00007; ExAC 0.00005; ESP Exome Variant Server 0.00008; gnomAD 0.00008; TOPMed 0.00012.
gnomAD v4.1: 114 of 1,609,264 alleles (0.0071%); highest among the groups gnomAD compares: Non-Finnish European, 0.0088%; no homozygotes.

Submissions (8):

CeGaT Center for Human Genetics Tuebingen
Classification: Uncertain significance. Last evaluated: 2026-07-01. Review status: criteria provided, single submitter. Criteria: CeGaT Center For Human Genetics Tuebingen Variant Classification Criteria Version 2. Collection method: clinical testing. Allele origin: germline. Affected: yes. Observed: 1 variant allele.
Comment: PIK3CD: PM2, BP4

Clinical Genomics Laboratory, Washington University in St. Louis
Classification: Uncertain significance for Immunodeficiency 14b, autosomal recessive; Immunodeficiency 14. Last evaluated: 2026-02-05. Review status: criteria provided, single submitter. Criteria: ACMG Guidelines, 2015. Collection method: clinical testing. Allele origin: germline.
Comment: A PIK3CD c.692C>T (p.Pro231Leu) variant was identified at a near heterozygous allelic fraction of 45.1%, a frequency which may be consistent with germline origin. This variant, to our knowledge, has not been reported in the medical literature but has been reported in the ClinVar database as a germline variant of uncertain significance by four submitters (ClinVar Variation ID: 659165). It is observed on 114/1,609,264 alleles in the general population (gnomAD v4.1.0). Computational predictors suggest that the variant does not impact PIK3CD function. Due to limited information, and based on ACMG/AMP guidelines for variant interpretation (Richards S et al., PMID: 25741868), the clinical significance of this variant is uncertain at this time.

Labcorp Genetics (formerly Invitae), Labcorp
Classification: Uncertain significance for Activated PI3K-delta syndrome. Last evaluated: 2025-11-15. Review status: criteria provided, single submitter. Criteria: Invitae Variant Classification Sherloc (09022015). Collection method: clinical testing. Allele origin: germline.
Comment: This sequence change replaces proline, which is neutral and non-polar, with leucine, which is neutral and non-polar, at codon 231 of the PIK3CD protein (p.Pro231Leu). This variant is present in population databases (rs369430343, gnomAD 0.005%). This variant has not been reported in the literature in individuals affected with PIK3CD-related conditions. ClinVar contains an entry for this variant (Variation ID: 659165). An algorithm developed to predict the effect of missense changes on protein structure and function outputs the following: PolyPhen-2: "Benign". The leucine amino acid residue is found in multiple mammalian species, which suggests that this missense change does not adversely affect protein function. In summary, the available evidence is currently insufficient to determine the role of this variant in disease. Therefore, it has been classified as a Variant of Uncertain Significance.

Ambry Genetics
Classification: Uncertain significance for Inborn genetic diseases. Last evaluated: 2024-12-18. Review status: criteria provided, single submitter. Criteria: Ambry Variant Classification Scheme 2023. Collection method: clinical testing. Allele origin: germline.

Revvity Omics, Revvity
Classification: Uncertain significance. Last evaluated: 2023-12-13. Review status: criteria provided, single submitter. Criteria: ACMG Guidelines, 2015. Collection method: clinical testing. Allele origin: germline.

Mayo Clinic Laboratories, Mayo Clinic
Classification: Uncertain significance. Last evaluated: 2020-09-22. Review status: criteria provided, single submitter. Criteria: ACMG Guidelines, 2015. Collection method: clinical testing. Allele origin: germline. Observed: 1 variant allele.

Rarefied Biosciences Lab
Classification: Likely benign for Immunodeficiency 14. Review status: no assertion criteria provided. Collection method: research. Allele origin: germline, not applicable. Affected: yes. Not counted in ClinVar's aggregate classification.
Comment: Using the following functional assay(PMID 31031754), the following showed no increase in mTOR activity, no elevation of transitional B cells, and no elevation of TFH activity. In summary, the Pro231Leu variants is classified as likely benign.

Rarefied Biosciences Lab
Classification: Likely benign for Activated PI3K-delta syndrome. Review status: no assertion criteria provided. Collection method: research. Allele origin: germline, not applicable. Affected: yes. Not counted in ClinVar's aggregate classification.
Comment: The following variant p.Pro231Leu is likely benign due to experimental evidence showing no abnormal function of TFH, mTOR, and transitional B cells which are hallmarks of affected patients.

Literature cited by the submitters: uncertain (cited by Clinical Genomics Laboratory, Washington University in St. Louis); PubMed 31031754 (cited by Rarefied Biosciences Lab).

NM_005026.5(PIK3CD):c.692C>T (p.Pro231Leu)

Gene: PIK3CD (phosphatidylinositol-4,5-bisphosphate 3-kinase catalytic subunit delta; plus strand). Cytogenetic location: 1p36.22.
Variant type: single nucleotide variant.
Coding change: c.692C>T on transcript NM_005026.5 (MANE Select); coding-DNA position 692, C replaced by T.
Protein change: p.Pro231Leu; replaces proline 231 with leucine.
Molecular consequence: missense variant.
Genome position (GRCh38, 1-based): chr1:9,716,531, C>T. VCF-style: chr1-9716531-C-T. GRCh37 (hg19) VCF-style: chr1-9776589-C-T.
Other names: c.692C>T (LRG_191t1); c.692C>T, p.Pro231Leu (NM_001350234.2, NM_001350235.1); short protein forms P231L.
Identifiers: ClinVar variation 659165 (VCV000659165.20), dbSNP rs369430343, ClinGen allele CA576952.